The following is an entry in ClinVar:

ClinVar aggregate classification (germline): Uncertain significance (1 of 4 stars; one submission).

Conditions:
Hereditary cancer-predisposing syndrome. Also called: Neoplastic Syndromes, Hereditary; Tumor predisposition; Hereditary neoplastic syndrome; Hereditary Cancer Syndrome. Identifiers: Orphanet 140162, MedGen C0027672, MeSH D009386, MONDO:0015356.

Submission:

Ambry Genetics
Classification: Uncertain significance for Hereditary cancer-predisposing syndrome. Last evaluated: 2026-08-04. Review status: criteria provided, single submitter. Criteria: Ambry Variant Classification Scheme 2023. Collection method: clinical testing. Allele origin: germline.
Comment: The p.R942L variant (also known as c.2825G>T), located in coding exon 17 of the PTCH1 gene, results from a G to T substitution at nucleotide position 2825. The arginine at codon 942 is replaced by leucine, an amino acid with dissimilar properties. This amino acid position is conserved. In addition, this alteration is predicted to be deleterious by in silico analysis. Based on the available evidence, the clinical significance of this variant remains unclear.

NM_000264.5(PTCH1):c.2825G>T (p.Arg942Leu)

Gene: PTCH1 (patched 1; minus strand). Cytogenetic location: 9q22.32.
Variant type: single nucleotide variant.
Coding change: c.2825G>T on transcript NM_000264.5 (MANE Select); coding-DNA position 2825, G replaced by T.
Protein change: p.Arg942Leu; replaces arginine 942 with leucine.
Molecular consequence: missense variant. On other transcripts: non-coding transcript variant (1).
Genome position (GRCh38, 1-based): chr9:95,459,662, C>A on the plus strand (G>T on the coding strand, the complement: PTCH1 is on the minus strand). VCF-style: chr9-95459662-C-A. GRCh37 (hg19) VCF-style: chr9-98221944-C-A.
Other names: c.2627G>T, p.Arg876Leu (NM_001083602.3); c.2822G>T, p.Arg941Leu (NM_001083603.3); c.2372G>T, p.Arg791Leu (NM_001083604.3, NM_001083605.3, NM_001083606.3 and 1 more transcripts); c.2669G>T, p.Arg890Leu (NM_001354918.2); short protein forms R791L, R890L, R876L, R942L, R941L.
Identifiers: ClinVar variation 5027532 (VCV005027532.1).